The following is an entry in ClinVar:

ClinVar aggregate classification (germline): Conflicting classifications of pathogenicity. Review status: criteria provided, conflicting classifications (1 of 4 stars). 2 submissions from 2 submitters: Uncertain significance (1); Likely benign (1). Last evaluated 2025-11-01.

Allele frequency attached by ClinVar (database versions not stated): gnomAD exomes 0.00005; ExAC 0.00010; TOPMed 0.00003; gnomAD 0.00004.
gnomAD v4.1: 53 of 1,208,981 alleles (0.0044%); highest among the groups gnomAD compares: South Asian, 0.035%; no homozygotes.

Submissions (2):

CeGaT Center for Human Genetics Tuebingen
Classification: Likely benign. Last evaluated: 2025-11-01. Review status: criteria provided, single submitter. Criteria: CeGaT Center For Human Genetics Tuebingen Variant Classification Criteria Version 2. Collection method: clinical testing. Allele origin: germline. Affected: yes. Observed: 2 variant alleles.
Comment: KIF4A: BP4, BS2

Ambry Genetics
Classification: Uncertain significance. Last evaluated: 2024-11-23. Review status: criteria provided, single submitter. Criteria: Ambry Variant Classification Scheme 2023. Collection method: clinical testing. Allele origin: germline.

NM_012310.5(KIF4A):c.3547C>T (p.Pro1183Ser)

Gene: KIF4A (kinesin family member 4A; plus strand). Cytogenetic location: Xq13.1.
Variant type: single nucleotide variant.
Coding change: c.3547C>T on transcript NM_012310.5 (MANE Select); coding-DNA position 3547, C replaced by T.
Protein change: p.Pro1183Ser; replaces proline 1183 with serine.
Molecular consequence: missense variant.
Genome position (GRCh38, 1-based): chrX:70,420,113, C>T. VCF-style: chrX-70420113-C-T. GRCh37 (hg19) VCF-style: chrX-69639963-C-T.
Other names: c.3547C>T (NM_012310.4); short protein forms P1183S.
Identifiers: ClinVar variation 2660818 (VCV002660818.25), dbSNP rs776704047, ClinGen allele CA10441504.